The following is an entry in ClinVar:

ClinVar aggregate classification (germline): Uncertain significance (1 of 4 stars; one submission).

Conditions:
Hereditary cancer-predisposing syndrome. Also called: Neoplastic Syndromes, Hereditary; Tumor predisposition; Hereditary Cancer Syndrome; Hereditary neoplastic syndrome. Identifiers: Orphanet 140162, MedGen C0027672, MeSH D009386, MONDO:0015356.

Submission:

Ambry Genetics
Classification: Uncertain significance for Hereditary cancer-predisposing syndrome. Last evaluated: 2026-02-24. Review status: criteria provided, single submitter. Criteria: Ambry Variant Classification Scheme 2023. Collection method: clinical testing. Allele origin: germline.
Comment: The p.N1935K variant (also known as c.5805T>A), located in coding exon 10 of the BRCA2 gene, results from a T to A substitution at nucleotide position 5805. The asparagine at codon 1935 is replaced by lysine, an amino acid with similar properties. This amino acid position is conserved. In addition, this alteration is predicted to be tolerated by in silico analysis. Based on the available evidence, the clinical significance of this variant remains unclear.

NM_000059.4(BRCA2):c.5805T>A (p.Asn1935Lys)

Gene: BRCA2 (BRCA2 DNA repair associated; plus strand). Cytogenetic location: 13q13.1.
Variant type: single nucleotide variant.
Coding change: c.5805T>A on transcript NM_000059.4 (MANE Select); coding-DNA position 5805, T replaced by A.
Protein change: p.Asn1935Lys; replaces asparagine 1935 with lysine.
Molecular consequence: missense variant. On other transcripts: non-coding transcript variant (1), intron variant (2).
Genome position (GRCh38, 1-based): chr13:32,340,160, T>A. VCF-style: chr13-32340160-T-A. GRCh37 (hg19) VCF-style: chr13-32914297-T-A.
Other names: c.5805T>A, p.Asn1935Lys (NM_001406719.1, NM_001406720.1, NM_001432077.1); c.1910-4398T>A (NM_001406721.1); c.425-4398T>A (NM_001406722.1); short protein forms N1935K.
Identifiers: ClinVar variation 4826879 (VCV004826879.1).